The following is an entry in ClinVar:

NM_022370.4(ROBO3):c.4100_4104del (p.Arg1367fs)

Gene: ROBO3 (roundabout guidance receptor 3; plus strand). Cytogenetic location: 11q24.2.
Variant type: Deletion.
Coding change: c.4100_4104del on transcript NM_022370.4 (MANE Select); coding-DNA positions 4100 to 4104, 5 bases deleted (GGAGT; older notation c.4100_4104delGGAGT).
Protein change: p.Arg1367fs; shifts the reading frame from arginine 1367.
Molecular consequence: frameshift variant. On other transcripts: non-coding transcript variant (7).
Genome position (GRCh38, 1-based): chr11:124,880,559-124,880,563, GGAGT deleted. VCF-style (leftmost placement, unchanged base first): chr11-124880558-CGGAGT-C. GRCh37 (hg19) VCF-style: chr11-124750454-CGGAGT-C.
Other names: c.1247_1251del, p.Arg416fs (NM_001370356.1, NM_001370357.1, NM_001370358.1 and 2 more transcripts); c.1052_1056del, p.Arg351fs (NM_001370364.1, NM_001370366.1); c.4100_4104del5 (NM_022370.3); short protein forms R351fs, R416fs, R1367fs.
Identifiers: ClinVar variation 779380 (VCV000779380.4), dbSNP rs767342318, ClinGen allele CA6344381.
Genomic context (GRCh38, chr11:124,880,558, plus strand): 5'-AACTCTTCCAGGGGCTCCAGCAGCTCTAGGGGCTCCCGGGGCCCTGGCCGGAGCCGGAGT[CGGAGT>C]CAGAGCCGGAGCCAGAGCCAAAGGCCAGGACAGAAACGCCGAGAGGTAGGGGCCATAGAT-3'

ClinVar aggregate classification (germline): Benign. Review status: criteria provided, single submitter (1 of 4 stars). 2 submissions from 2 submitters: Benign (1). 1 of the submissions does not count toward it. Last evaluated 2018-10-24.

Conditions:
ROBO3-related disorder. Also called: ROBO3-related condition.

Allele frequency attached by ClinVar (database versions not stated): gnomAD exomes 0.00037; ExAC 0.00171; gnomAD 0.01029 and 0.01123.

Submissions (2):

Labcorp Genetics (formerly Invitae), Labcorp
Classification: Benign. Last evaluated: 2018-10-24. Review status: criteria provided, single submitter. Criteria: Invitae Variant Classification Sherloc (09022015). Collection method: clinical testing. Allele origin: germline.

PreventionGenetics, part of Exact Sciences
Classification: Benign for ROBO3-related condition. Last evaluated: 2024-04-17. Review status: no assertion criteria provided. Collection method: clinical testing. Allele origin: germline. Not counted in ClinVar's aggregate classification.
Comment: This variant is classified as benign based on ACMG/AMP sequence variant interpretation guidelines (Richards et al. 2015 PMID: 25741868, with internal and published modifications).